The following is an entry in ClinVar:

NM_006231.4(POLE):c.5218dup (p.Leu1740fs)

Gene: POLE (DNA polymerase epsilon, catalytic subunit; minus strand). Cytogenetic location: 12q24.33.
Variant type: Duplication.
Coding change: c.5218dup on transcript NM_006231.4 (MANE Select); coding-DNA position 5218, one base duplicated (C; older notation c.5218dupC).
Protein change: p.Leu1740fs; shifts the reading frame from leucine 1740.
Molecular consequence: frameshift variant.
Genome position (GRCh38, 1-based): chr12:132,641,807, G duplicated on the plus strand (C on the coding strand, the reverse complement: POLE is on the minus strand). VCF-style (leftmost placement, unchanged base first): chr12-132641806-A-AG. GRCh37 (hg19) VCF-style: chr12-133218392-A-AG.
Other names: short protein forms L1740fs.
Identifiers: ClinVar variation 1746140 (VCV001746140.3), dbSNP rs2541881532, ClinGen allele CA2580086198.

ClinVar aggregate classification (germline): Uncertain significance (1 of 4 stars; one submission).

Conditions:
Hereditary cancer-predisposing syndrome. Also called: Tumor predisposition; Hereditary Cancer Syndrome; Hereditary neoplastic syndrome; Neoplastic Syndromes, Hereditary. Identifiers: Orphanet 140162, MedGen C0027672, MeSH D009386, MONDO:0015356.

Allele frequency attached by ClinVar (database versions not stated): gnomAD exomes below 0.00001.

Submission:

Ambry Genetics
Classification: Uncertain significance for Hereditary cancer-predisposing syndrome. Last evaluated: 2026-01-16. Review status: criteria provided, single submitter. Criteria: Ambry Variant Classification Scheme 2023. Collection method: clinical testing. Allele origin: germline.
Comment: The c.5218dupC variant, located in coding exon 39 of the POLE gene, results from a duplication of C at nucleotide position 5218, causing a translational frameshift with a predicted alternate stop codon (p.L1740Pfs*45). This alteration is expected to result in loss of function by premature protein truncation or nonsense-mediated mRNA decay. Although biallelic loss of function of POLE has been associated with autosomal recessive POLE deficiency, haploinsufficiency of POLE has not been established as a mechanism of disease for POLE-related polymerase proofreading-associated polyposis (PPAP) and POLE-related CMMRD-like syndrome. Based on the supporting evidence, this variant is expected to be causative of POLE deficiency when present along with a second pathogenic variant on the other allele; however, its clinical significance for PPAP and POLE-related CMMRD-like syndrome is unclear.